The following is an entry in ClinVar:

NM_000551.4(VHL):c.238_246del (p.Ser80_Arg82del)

Gene: VHL (von Hippel-Lindau tumor suppressor; plus strand). Cytogenetic location: 3p25.3.
Variant type: Deletion.
Coding change: c.238_246del on transcript NM_000551.4 (MANE Select); coding-DNA positions 238 to 246, 9 bases deleted (AGTCCGCGC; older notation c.238_246delAGTCCGCGC).
Protein change: p.Ser80_Arg82del.
Molecular consequence: inframe deletion.
Genome position (GRCh38, 1-based): chr3:10,142,085-10,142,093, AGTCCGCGC deleted; deleting any 9 consecutive bases within chr3:10,142,082-10,142,093 gives the same sequence; the c. name uses the placement nearest the transcript's 3' end. VCF-style (leftmost placement, unchanged base first): chr3-10142081-TCGCAGTCCG-T. GRCh37 (hg19) VCF-style: chr3-10183765-TCGCAGTCCG-T.
Other names: c.238_246del, p.Ser80_Arg82del (NM_001354723.2, NM_198156.3).
Identifiers: ClinVar variation 851705 (VCV000851705.10), dbSNP rs1696132295, ClinGen allele CA916081410.

ClinVar aggregate classification (germline): Uncertain significance (1 of 4 stars; one submission).

Conditions:
Chuvash polycythemia. Also called: POLYCYTHEMIA, VHL-DEPENDENT. Identifiers: Orphanet 238557, MedGen C1837915, MONDO:0009892, OMIM 263400.
Von Hippel-Lindau syndrome (VHLS). Also called: VHL syndrome; Von Hippel-Lindau; von Hippel–Lindau syndrome. Identifiers: Orphanet 892, MedGen C0019562, MONDO:0008667, OMIM 193300. Disease mechanism: loss of function.

Submission:

Labcorp Genetics (formerly Invitae), Labcorp
Classification: Uncertain significance for Von Hippel-Lindau syndrome; Chuvash polycythemia. Last evaluated: 2019-01-17. Review status: criteria provided, single submitter. Criteria: Invitae Variant Classification Sherloc (09022015). Collection method: clinical testing. Allele origin: germline.
Comment: In summary, the available evidence is currently insufficient to determine the role of this variant in disease. Therefore, it has been classified as a Variant of Uncertain Significance. Experimental studies and prediction algorithms are not available for this variant, and the functional significance of the affected amino acid(s) is currently unknown. This variant is not present in population databases (ExAC no frequency). This variant, c.238_246del, results in the deletion of 3 amino acid(s) of the VHL protein (p.Ser80_Arg82del), but otherwise preserves the integrity of the reading frame.